The following is an entry in ClinVar:

NM_001164508.2(NEB):c.12072G>T (p.Gln4024His)

Gene: NEB (nebulin; minus strand). Cytogenetic location: 2q23.3.
Variant type: single nucleotide variant.
Coding change: c.12072G>T on transcript NM_001164508.2 (MANE Select); coding-DNA position 12072, G replaced by T.
Protein change: p.Gln4024His; replaces glutamine 4024 with histidine.
Molecular consequence: missense variant.
Genome position (GRCh38, 1-based): chr2:151,610,067, C>A on the plus strand (G>T on the coding strand, the complement: NEB is on the minus strand). VCF-style: chr2-151610067-C-A. GRCh37 (hg19) VCF-style: chr2-152466581-C-A.
Other names: c.12072G>T, p.Gln4024His (NM_001164507.2, NM_001271208.2); c.11343G>T, p.Gln3781His (NM_004543.5); short protein forms Q3781H, Q4024H.
Identifiers: ClinVar variation 1952554 (VCV001952554.2), dbSNP rs2552227329, ClinGen allele CA348777805.

ClinVar aggregate classification (germline): Uncertain significance (1 of 4 stars; one submission).

Conditions:
Nemaline myopathy 2 (NEM2). Also called: Nemaline myopathy 2, autosomal recessive. Identifiers: MedGen C1850569, MONDO:0009725, OMIM 256030.

Submission:

Labcorp Genetics (formerly Invitae), Labcorp
Classification: Uncertain significance for Nemaline myopathy 2. Last evaluated: 2021-05-31. Review status: criteria provided, single submitter. Criteria: Invitae Variant Classification Sherloc (09022015). Collection method: clinical testing. Allele origin: germline.
Comment: This sequence change replaces glutamine with histidine at codon 4024 of the NEB protein (p.Gln4024His). The glutamine residue is moderately conserved and there is a small physicochemical difference between glutamine and histidine. This variant is not present in population databases (ExAC no frequency). This variant has not been reported in the literature in individuals with NEB-related conditions. Algorithms developed to predict the effect of missense changes on protein structure and function are either unavailable or do not agree on the potential impact of this missense change (SIFT: "Deleterious"; PolyPhen-2: "Not Available"; Align-GVGD: "Class C0"). In summary, the available evidence is currently insufficient to determine the role of this variant in disease. Therefore, it has been classified as a Variant of Uncertain Significance.